The following is an entry in ClinVar:

ClinVar aggregate classification (germline): Uncertain significance (1 of 4 stars; one submission).

Conditions:
Severe myoclonic epilepsy in infancy (DRVT). Also called: Severe Myoclonic Epilepsy in Infancy (SMEI); Dravet syndrome; Epileptic encephalopathy, early infantile, 6 (Dravet syndrome); SEVERE MYOCLONIC EPILEPSY OF INFANCY; DEVELOPMENTAL AND EPILEPTIC ENCEPHALOPATHY 6A. Identifiers: Orphanet 33069, MedGen C0751122, MONDO:0100135, OMIM 607208.

Submission:

Labcorp Genetics (formerly Invitae), Labcorp
Classification: Uncertain significance for Severe myoclonic epilepsy in infancy. Last evaluated: 2020-11-19. Review status: criteria provided, single submitter. Criteria: Invitae Variant Classification Sherloc (09022015). Collection method: clinical testing. Allele origin: germline.
Comment: Algorithms developed to predict the effect of missense changes on protein structure and function are either unavailable or do not agree on the potential impact of this missense change (SIFT: "Deleterious"; PolyPhen-2: "Benign"; Align-GVGD: "Class C0"). This variant has not been reported in the literature in individuals with SNX27-related conditions. The frequency data for this variant in the population databases is considered unreliable, as metrics indicate insufficient coverage at this position in the ExAC database. This sequence change replaces glycine with arginine at codon 24 of the SNX27 protein (p.Gly24Arg). The glycine residue is moderately conserved and there is a moderate physicochemical difference between glycine and arginine. In summary, the available evidence is currently insufficient to determine the role of this variant in disease. Therefore, it has been classified as a Variant of Uncertain Significance.

NM_001330723.2(SNX27):c.70G>A (p.Gly24Arg)

Genes: SNX27 (sorting nexin 27; plus strand), LOC129931442 (ATAC-STARR-seq lymphoblastoid silent region 1324; plus strand). Cytogenetic location: 1q21.3.
Variant type: single nucleotide variant.
Coding change: c.70G>A on transcript NM_001330723.2 (MANE Select); coding-DNA position 70, G replaced by A.
Protein change: p.Gly24Arg; replaces glycine 24 with arginine.
Molecular consequence: missense variant.
Genome position (GRCh38, 1-based): chr1:151,612,271, G>A. VCF-style: chr1-151612271-G-A. GRCh37 (hg19) VCF-style: chr1-151584747-G-A.
Other names: c.70G>A, p.Gly24Arg (NM_030918.6); short protein forms G24R.
Identifiers: ClinVar variation 1525964 (VCV001525964.8), dbSNP rs1054736706, ClinGen allele CA341973682.